The following is an entry in ClinVar:

NM_178138.6(LHX3):c.967G>A (p.Ala323Thr)

Gene: LHX3 (LIM homeobox 3; minus strand). Cytogenetic location: 9q34.3.
Variant type: single nucleotide variant.
Coding change: c.967G>A on transcript NM_178138.6 (MANE Select); coding-DNA position 967, G replaced by A.
Protein change: p.Ala323Thr; replaces alanine 323 with threonine.
Molecular consequence: missense variant.
Genome position (GRCh38, 1-based): chr9:136,197,552, C>T on the plus strand (G>A on the coding strand, the complement: LHX3 is on the minus strand). VCF-style: chr9-136197552-C-T. GRCh37 (hg19) VCF-style: chr9-139089398-C-T.
Other names: c.934G>A, p.Ala312Thr (NM_001363746.1); c.982G>A, p.Ala328Thr (NM_014564.5); c.982G>A (NM_014564.4); short protein forms A312T, A328T, A323T.
Identifiers: ClinVar variation 4097670 (VCV004097670.2).

ClinVar aggregate classification (germline): Uncertain significance. Review status: criteria provided, multiple submitters, no conflicts (2 of 4 stars). 2 submissions from 2 submitters: Uncertain significance (2). Last evaluated 2025-09-05.

Conditions:
LHX3-related disorder. Also called: LHX3-related condition.
Inborn genetic diseases. Identifiers: MedGen C0950123, MeSH D030342.

Submissions (2):

Ambry Genetics
Classification: Uncertain significance for Inborn genetic diseases. Last evaluated: 2025-09-05. Review status: criteria provided, single submitter. Criteria: Ambry Variant Classification Scheme 2023. Collection method: clinical testing. Allele origin: germline.

PreventionGenetics, part of Exact Sciences
Classification: Uncertain significance for LHX3-related condition. Last evaluated: 2025-03-07. Review status: criteria provided, single submitter. Criteria: ACMG Guidelines, 2015. Collection method: clinical testing. Allele origin: germline.
Comment: The LHX3 c.982G>A variant is predicted to result in the amino acid substitution p.Ala328Thr. To our knowledge, this variant has not been reported in the literature. This variant is reported in 0.0068% of alleles in individuals of African descent in gnomAD. At this time, the clinical significance of this variant is uncertain due to the absence of conclusive functional and genetic evidence.